The following is an entry in ClinVar:

ClinVar aggregate classification (germline): Likely benign. Review status: criteria provided, multiple submitters, no conflicts (2 of 4 stars). 3 submissions from 3 submitters: Likely benign (3). Last evaluated 2025-07-29.

Conditions:
Dilated cardiomyopathy 1G (CMD1G). Identifiers: Orphanet 154, MedGen C1858763, MONDO:0011400, OMIM 604145.
Autosomal recessive limb-girdle muscular dystrophy type 2J (LGMDR10). Also called: MUSCULAR DYSTROPHY, LIMB-GIRDLE, AUTOSOMAL RECESSIVE 10; Limb-girdle muscular dystrophy, type 2J. Identifiers: Orphanet 140922, MedGen C1837342, MONDO:0012127, OMIM 608807.

Allele frequency attached by ClinVar (database versions not stated): gnomAD exomes 0.00001; gnomAD 0.00004 and 0.00005; TOPMed 0.00005.
gnomAD v4.1: 10 of 1,597,684 alleles (0.00063%); highest among the groups gnomAD compares: African/African-American, 0.013%; no homozygotes.

Submissions (3):

Labcorp Genetics (formerly Invitae), Labcorp
Classification: Likely benign for Dilated cardiomyopathy 1G; Autosomal recessive limb-girdle muscular dystrophy type 2J. Last evaluated: 2025-07-29. Review status: criteria provided, single submitter. Criteria: Invitae Variant Classification Sherloc (09022015). Collection method: clinical testing. Allele origin: germline.

Women's Health and Genetics/Laboratory Corporation of America, LabCorp
Classification: Likely benign. Last evaluated: 2022-12-17. Review status: criteria provided, single submitter. Criteria: LabCorp Variant Classification Summary - May 2015. Collection method: clinical testing. Allele origin: germline.

GeneDx
Classification: Likely benign. Last evaluated: 2016-11-03. Review status: criteria provided, single submitter. Criteria: GeneDx Variant Classification (06012015). Collection method: clinical testing. Allele origin: germline. Affected: yes.
Comment: This variant is considered likely benign or benign based on one or more of the following criteria: it is a conservative change, it occurs at a poorly conserved position in the protein, it is predicted to be benign by multiple in silico algorithms, and/or has population frequency not consistent with disease.

NM_001267550.2(TTN):c.19152A>G (p.Pro6384=)

Gene: TTN (titin; minus strand). Cytogenetic location: 2q31.2.
Variant type: single nucleotide variant.
Coding change: c.19152A>G on transcript NM_001267550.2 (MANE Select); coding-DNA position 19152, A replaced by G.
Protein change: p.Pro6384=; no amino-acid change (proline 6384 retained).
Molecular consequence: synonymous variant. On other transcripts: intron variant (3).
Genome position (GRCh38, 1-based): chr2:178,728,774, T>C on the plus strand (A>G on the coding strand, the complement: TTN is on the minus strand). VCF-style: chr2-178728774-T-C. GRCh37 (hg19) VCF-style: chr2-179593501-T-C.
Other names: c.18201A>G, p.Pro6067= (NM_001256850.1); c.15420A>G, p.Pro5140= (NM_133378.4); c.13282+9308A>G (NM_003319.4); c.13858+9308A>G (NM_133437.4); c.13657+9308A>G (NM_133432.3).
Identifiers: ClinVar variation 390454 (VCV000390454.11), dbSNP rs956813031, ClinGen allele CA16604214.